The following is an entry in ClinVar:

ClinVar aggregate classification (germline): Pathogenic (1 of 4 stars; one submission).

Conditions:
Sandhoff disease. Also called: Beta-hexosaminidase-beta-subunit deficiency; GM2 gangliosidosis, type 2; Total hexosaminidase deficiency; Sandhoff-Jatzkewitz-Pilz disease; GM2-GANGLIOSIDOSIS, TYPE II; HEXOSAMINIDASES A AND B DEFICIENCY. Identifiers: Orphanet 796, MedGen C0036161, MONDO:0010006, OMIM 268800.

Submission:

Labcorp Genetics (formerly Invitae), Labcorp
Classification: Pathogenic for Sandhoff disease. Last evaluated: 2022-11-02. Review status: criteria provided, single submitter. Criteria: Invitae Variant Classification Sherloc (09022015). Collection method: clinical testing. Allele origin: germline.
Comment: This premature translational stop signal has been observed in individual(s) with HEXB-related condition (PMID: 29451896). This sequence change creates a premature translational stop signal (p.Leu22Alafs*92) in the HEXB gene. It is expected to result in an absent or disrupted protein product. Loss-of-function variants in HEXB are known to be pathogenic (PMID: 7550345, 18758829). This variant is not present in population databases (gnomAD no frequency). ClinVar contains an entry for this variant (Variation ID: 860680). For these reasons, this variant has been classified as Pathogenic.

Literature cited by the submitters: PubMed 29451896; PubMed 7550345; PubMed 18758829.

NM_000521.4(HEXB):c.64_65del (p.Leu22fs)

Gene: HEXB (hexosaminidase subunit beta; plus strand). Cytogenetic location: 5q13.3.
Variant type: Deletion.
Coding change: c.64_65del on transcript NM_000521.4 (MANE Select); coding-DNA positions 64 to 65, 2 bases deleted (CT; older notation c.64_65delCT).
Protein change: p.Leu22fs; shifts the reading frame from leucine 22.
Molecular consequence: frameshift variant. On other transcripts: intron variant (1).
Genome position (GRCh38, 1-based): chr5:74,685,324-74,685,325, CT deleted. VCF-style (leftmost placement, unchanged base first): chr5-74685323-ACT-A. GRCh37 (hg19) VCF-style: chr5-73981148-ACT-A.
Other names: c.-376-4004_-376-4003del (NM_001292004.2); short protein forms L22fs.
Identifiers: ClinVar variation 860680 (VCV000860680.9), dbSNP rs1748834145, ClinGen allele CA916082716.